The following is an entry in ClinVar:

NM_001292063.2(OTOG):c.536T>C (p.Ile179Thr)

Gene: OTOG (otogelin; plus strand). Cytogenetic location: 11p15.1.
Variant type: single nucleotide variant.
Coding change: c.536T>C on transcript NM_001292063.2 (MANE Select); coding-DNA position 536, T replaced by C.
Protein change: p.Ile179Thr; replaces isoleucine 179 with threonine.
Molecular consequence: missense variant.
Genome position (GRCh38, 1-based): chr11:17,553,515, T>C. VCF-style: chr11-17553515-T-C. GRCh37 (hg19) VCF-style: chr11-17575062-T-C.
Other names: c.572T>C, p.Ile191Thr (NM_001277269.2); short protein forms I179T, I191T.
Identifiers: ClinVar variation 3730905 (VCV003730905.1).
Genomic context (GRCh38, chr11:17,553,515, plus strand): 5'-CCGGAAAGGGCAGCTACACCCTGGTGGGTCGCCATGAGCCCGAGGGACAGAGCTTCTCCA[T>C]CCAGGTGAGGCCTCCCCTGCCTTGCCTGTCCAGGAATGCTTCTCTAGGCCCTGGAGGCTG-3'
Protein context (NP_001278992.1, residues 169-189): RHEPEGQSFS[Ile179Thr]QVHNDPQCGS

ClinVar aggregate classification (germline): Uncertain significance (1 of 4 stars; one submission).

gnomAD v4.1: 2 of 1,434,118 alleles (0.00014%); highest among the groups gnomAD compares: Admixed American, 0.003%; no homozygotes.

Submission:

GeneDx
Classification: Uncertain significance. Last evaluated: 2024-08-12. Review status: criteria provided, single submitter. Criteria: GeneDx Variant Classification Process June 2021. Collection method: clinical testing. Allele origin: germline. Affected: yes.
Comment: Not observed at significant frequency in large population cohorts (gnomAD); In silico analysis supports that this missense variant has a deleterious effect on protein structure/function; Has not been previously published as pathogenic or benign to our knowledge